The following is an entry in ClinVar:

ClinVar aggregate classification (germline): Likely benign (1 of 4 stars; one submission).

Conditions:
DCDC2-related disorder. Also called: DCDC2-related condition.

gnomAD v4.1: 36 of 1,614,064 alleles (0.0022%); highest among the groups gnomAD compares: South Asian, 0.013%; no homozygotes.

Submission:

PreventionGenetics, part of Exact Sciences
Classification: Likely benign for DCDC2-related condition. Last evaluated: 2025-12-29. Review status: criteria provided, single submitter. Criteria: ACMG Guidelines, 2015. Collection method: clinical testing. Allele origin: germline.
Comment: This variant is classified as likely benign based on ACMG/AMP sequence variant interpretation guidelines (Richards et al. 2015 PMID: 25741868, with internal and published modifications).

NM_016356.5(DCDC2):c.435A>G (p.Ala145=)

Gene: DCDC2 (doublecortin domain containing 2; minus strand). Cytogenetic location: 6p22.3.
Variant type: single nucleotide variant.
Coding change: c.435A>G on transcript NM_016356.5 (MANE Select); coding-DNA position 435, A replaced by G.
Protein change: p.Ala145=; no amino-acid change (alanine 145 retained).
Molecular consequence: synonymous variant.
Genome position (GRCh38, 1-based): chr6:24,301,837, T>C on the plus strand (A>G on the coding strand, the complement: DCDC2 is on the minus strand). VCF-style: chr6-24301837-T-C. GRCh37 (hg19) VCF-style: chr6-24302065-T-C.
Other names: c.435A>G, p.Ala145= (NM_001195610.2).
Identifiers: ClinVar variation 4984690 (VCV004984690.1).
Genomic context (GRCh38, chr6:24,301,837, plus strand): 5'-CTGATTCAAGGTTTTTCTGGGGATAAGGAGGCGAGAAGCTGGGTTTATGAGGTCTCCATT[T>C]GCAATCAAGCTGGAAAACAGGGGGCAAACCTTCTGAAACAGTTATGCCTTGAAAACTACA-3'
Protein context (NP_057440.2, residues 135-155): LQEPCTIFLI[Ala145=]NGDLINPASR